The following is an entry in ClinVar:

ClinVar aggregate classification (germline): Uncertain significance (1 of 4 stars; one submission).

Conditions:
Hypogonadotropic hypogonadism 2 with or without anosmia (HH2). Also called: FGFR1-Related GnRH Deficiency (Kallmann Syndrome 2); HYPOGONADOTROPIC HYPOGONADISM 2 WITHOUT ANOSMIA; HYPOGONADOTROPIC HYPOGONADISM 2 WITH OR WITHOUT ANOSMIA, SUSCEPTIBILITY TO; HYPOGONADOTROPIC HYPOGONADISM 2 WITHOUT ANOSMIA, SUSCEPTIBILITY TO. Identifiers: Orphanet 478, MedGen C1563720, MONDO:0007844, OMIM 147950. Disease mechanism: loss of function.
Pfeiffer syndrome (ACS5). Also called: ACS V. Identifiers: Orphanet 710, MedGen C0220658, MONDO:0007043, OMIM 101600.

gnomAD v4.1: 4 of 1,613,996 alleles (0.00025%); highest among the groups gnomAD compares: Admixed American, 0.0017%; no homozygotes.

Submission:

Labcorp Genetics (formerly Invitae), Labcorp
Classification: Uncertain significance for Pfeiffer syndrome; Hypogonadotropic hypogonadism 2 with or without anosmia. Last evaluated: 2022-12-02. Review status: criteria provided, single submitter. Criteria: Invitae Variant Classification Sherloc (09022015). Collection method: clinical testing. Allele origin: germline.
Comment: In summary, the available evidence is currently insufficient to determine the role of this variant in disease. Therefore, it has been classified as a Variant of Uncertain Significance. Advanced modeling of protein sequence and biophysical properties (such as structural, functional, and spatial information, amino acid conservation, physicochemical variation, residue mobility, and thermodynamic stability) has been performed at Invitae for this missense variant, however the output from this modeling did not meet the statistical confidence thresholds required to predict the impact of this variant on FGFR1 protein function. ClinVar contains an entry for this variant (Variation ID: 1042561). This variant has not been reported in the literature in individuals affected with FGFR1-related conditions. This variant is present in population databases (no rsID available, gnomAD 0.003%). This sequence change replaces arginine, which is basic and polar, with leucine, which is neutral and non-polar, at codon 448 of the FGFR1 protein (p.Arg448Leu).

NM_023110.3(FGFR1):c.1343G>T (p.Arg448Leu)

Gene: FGFR1 (fibroblast growth factor receptor 1; minus strand). Cytogenetic location: 8p11.23.
Variant type: single nucleotide variant.
Coding change: c.1343G>T on transcript NM_023110.3 (MANE Select); coding-DNA position 1343, G replaced by T.
Protein change: p.Arg448Leu; replaces arginine 448 with leucine.
Molecular consequence: missense variant.
Genome position (GRCh38, 1-based): chr8:38,418,315, C>A on the plus strand (G>T on the coding strand, the complement: FGFR1 is on the minus strand). VCF-style: chr8-38418315-C-A. GRCh37 (hg19) VCF-style: chr8-38275833-C-A.
Other names: c.1337G>T, p.Arg446Leu (NM_001174063.2, NM_001174065.2, NM_001354367.2 and 1 more transcripts); c.1313G>T, p.Arg438Leu (NM_001174064.2); c.1076G>T, p.Arg359Leu (NM_001174066.2, NM_023105.3); c.1436G>T, p.Arg479Leu (NM_001174067.2); c.1064G>T, p.Arg355Leu (NM_001354368.2); c.1331G>T, p.Arg444Leu (NM_001354369.2); c.1070G>T, p.Arg357Leu (NM_001354370.2, NM_023106.3); short protein forms R359L, R448L, R355L, R438L, R479L, R357L, R444L, R446L.
Identifiers: ClinVar variation 1042561 (VCV001042561.5), dbSNP rs758138124, ClinGen allele CA370733346.